The following is an entry in ClinVar:

NM_177438.3(DICER1):c.2590G>A (p.Ala864Thr)

Gene: DICER1 (dicer 1, ribonuclease III; minus strand). Cytogenetic location: 14q32.13.
Variant type: single nucleotide variant.
Coding change: c.2590G>A on transcript NM_177438.3 (MANE Select); coding-DNA position 2590, G replaced by A.
Protein change: p.Ala864Thr; replaces alanine 864 with threonine.
Molecular consequence: missense variant. On other transcripts: non-coding transcript variant (6).
Genome position (GRCh38, 1-based): chr14:95,107,940, C>T on the plus strand (G>A on the coding strand, the complement: DICER1 is on the minus strand). VCF-style: chr14-95107940-C-T. GRCh37 (hg19) VCF-style: chr14-95574277-C-T.
Other names: c.2590G>A, p.Ala864Thr (NM_001195573.1, NM_001271282.3, NM_001291628.2 and 13 more transcripts); c.2308G>A, p.Ala770Thr (NM_001395686.1); c.2185G>A, p.Ala729Thr (NM_001395687.1, NM_001395688.1, NM_001395689.1 and 2 more transcripts); c.2023G>A, p.Ala675Thr (NM_001395691.1); c.907G>A, p.Ala303Thr (NM_001395697.1); short protein forms A729T, A303T, A675T, A864T, A770T.
Identifiers: ClinVar variation 2447030 (VCV002447030.2), dbSNP rs2542839437, ClinGen allele CA390881507.

ClinVar aggregate classification (germline): Uncertain significance (1 of 4 stars; one submission).

Conditions:
Hereditary cancer-predisposing syndrome. Also called: Neoplastic Syndromes, Hereditary; Hereditary Cancer Syndrome; Tumor predisposition; Hereditary neoplastic syndrome. Identifiers: Orphanet 140162, MedGen C0027672, MeSH D009386, MONDO:0015356.

Submission:

Ambry Genetics
Classification: Uncertain significance for Hereditary cancer-predisposing syndrome. Last evaluated: 2022-11-04. Review status: criteria provided, single submitter. Criteria: Ambry Variant Classification Scheme 2023. Collection method: clinical testing. Allele origin: germline.
Comment: The p.A864T variant (also known as c.2590G>A), located in coding exon 15 of the DICER1 gene, results from a G to A substitution at nucleotide position 2590. The alanine at codon 864 is replaced by threonine, an amino acid with similar properties. This amino acid position is conserved. In addition, the in silico prediction for this alteration is inconclusive. Since supporting evidence is limited at this time, the clinical significance of this alteration remains unclear.